The following is an entry in ClinVar:

ClinVar aggregate classification (germline): Uncertain significance (1 of 4 stars; one submission).

Allele frequency attached by ClinVar (database versions not stated): gnomAD exomes below 0.00001.
gnomAD v4.1: 7 of 1,614,070 alleles (0.00043%); highest among the groups gnomAD compares: Admixed American, 0.005%; no homozygotes.

Submission:

Labcorp Genetics (formerly Invitae), Labcorp
Classification: Uncertain significance. Last evaluated: 2023-02-21. Review status: criteria provided, single submitter. Criteria: Invitae Variant Classification Sherloc (09022015). Collection method: clinical testing. Allele origin: germline.
Comment: In summary, the available evidence is currently insufficient to determine the role of this variant in disease. Therefore, it has been classified as a Variant of Uncertain Significance. Advanced modeling of protein sequence and biophysical properties (such as structural, functional, and spatial information, amino acid conservation, physicochemical variation, residue mobility, and thermodynamic stability) performed at Invitae indicates that this missense variant is expected to disrupt RASGRP2 protein function. This variant has not been reported in the literature in individuals affected with RASGRP2-related conditions. This variant is present in population databases (no rsID available, gnomAD 0.003%). This sequence change replaces leucine, which is neutral and non-polar, with phenylalanine, which is neutral and non-polar, at codon 149 of the RASGRP2 protein (p.Leu149Phe).

NM_001098671.2(RASGRP2):c.447G>C (p.Leu149Phe)

Gene: RASGRP2 (RAS guanyl releasing protein 2; minus strand). Cytogenetic location: 11q13.1.
Variant type: single nucleotide variant.
Coding change: c.447G>C on transcript NM_001098671.2 (MANE Select); coding-DNA position 447, G replaced by C.
Protein change: p.Leu149Phe; replaces leucine 149 with phenylalanine.
Molecular consequence: missense variant.
Genome position (GRCh38, 1-based): chr11:64,740,088, C>G on the plus strand (G>C on the coding strand, the complement: RASGRP2 is on the minus strand). VCF-style: chr11-64740088-C-G. GRCh37 (hg19) VCF-style: chr11-64507560-C-G.
Other names: c.447G>C, p.Leu149Phe (NM_001098670.2, NM_153819.2); c.12G>C, p.Leu4Phe (NM_001318398.2); short protein forms L149F, L4F.
Identifiers: ClinVar variation 3002489 (VCV003002489.3), dbSNP rs1161324506, ClinGen allele CA381151457.